The following is an entry in ClinVar:

NM_152263.4(TPM3):c.*4062G>A

Gene: TPM3 (tropomyosin 3; minus strand). Cytogenetic location: 1q21.3.
Variant type: single nucleotide variant.
Coding change: c.*4062G>A on transcript NM_152263.4 (MANE Select); 4062 bases downstream of the stop codon, G replaced by A.
Molecular consequence: 3 prime UTR variant. On other transcripts: intron variant (12).
Genome position (GRCh38, 1-based): chr1:154,163,875, C>T on the plus strand (G>A on the coding strand, the complement: TPM3 is on the minus strand). VCF-style: chr1-154163875-C-T. GRCh37 (hg19) VCF-style: chr1-154136351-C-T.
Other names: c.*4062G>A (NM_001364682.1, NM_001364683.1); c.776-6154G>A (NM_001364679.2, NM_001364680.2); c.776-4827G>A (NM_001364681.2); c.467-6154G>A (NM_001278188.2); c.665-6154G>A (NM_001043351.2, NM_153649.4); c.665-4827G>A (NM_001043353.2, NM_001043352.2); c.743+5430G>A (NM_001349679.2, NM_001278189.2); c.602-6154G>A (NM_001278190.2); and 1 more.
Identifiers: ClinVar variation 874856 (VCV000874856.4), dbSNP rs140590273, ClinGen allele CA30763605.

ClinVar aggregate classification (germline): Benign/Likely benign. Review status: criteria provided, single submitter (1 of 4 stars). 2 submissions from 1 submitter: Benign (1); Likely benign (1). Last evaluated 2018-01-13.

Conditions:
Congenital myopathy with fiber type disproportion. Also called: Congenital fiber-type disproportion myopathy; Congenital fiber-type disproportion. Identifiers: Orphanet 2020, MedGen C0546264, MONDO:0009711. Inheritance: all.
Congenital myopathy 4B, autosomal recessive. Also called: Nemaline myopathy 1, autosomal dominant or recessive. Identifiers: Orphanet 171433, Orphanet 171439, Orphanet 171881, MedGen C5829889, MONDO:0012239, OMIM 609284.

Allele frequency attached by ClinVar (database versions not stated): 1000 Genomes Project 30x 0.00562; 1000 Genomes Project 0.00619; gnomAD 0.00807 and 0.00864; TOPMed 0.00872.
gnomAD v4.1: 1,216 of 152,138 alleles (0.8%); highest among the groups gnomAD compares: African/African-American, 2.6%; 13 homozygotes.

Submissions (2):

Illumina Laboratory Services, Illumina
Classification: Benign for Congenital myopathy 4A, autosomal dominant. Last evaluated: 2018-01-13. Review status: criteria provided, single submitter. Criteria: ICSL Variant Classification Criteria 13 December 2019. Collection method: clinical testing. Allele origin: germline.
Comment: This variant was observed in the ICSL laboratory as part of a predisposition screen in an ostensibly healthy population. It had not been previously curated by ICSL or reported in the Human Gene Mutation Database (HGMD: prior to June 1st, 2018), and was therefore a candidate for classification through an automated scoring system. Utilizing variant allele frequency, disease prevalence and penetrance estimates, and inheritance mode, an automated score was calculated to assess if this variant is too frequent to cause the disease. Based on the score and internal cut-off values, a variant classified as benign is not then subjected to further curation. The score for this variant resulted in a classification of benign for this disease.

Illumina Laboratory Services, Illumina
Classification: Likely benign for Congenital myopathy 4B, autosomal recessive. Last evaluated: 2018-01-13. Review status: criteria provided, single submitter. Criteria: ICSL Variant Classification Criteria 13 December 2019. Collection method: clinical testing. Allele origin: germline.
Comment: This variant was observed in the ICSL laboratory as part of a predisposition screen in an ostensibly healthy population. It had not been previously curated by ICSL or reported in the Human Gene Mutation Database (HGMD: prior to June 1st, 2018), and was therefore a candidate for classification through an automated scoring system. Utilizing variant allele frequency, disease prevalence and penetrance estimates, and inheritance mode, an automated score was calculated to assess if this variant is too frequent to cause the disease. Based on the score and internal cut-off values, a variant classified as likely benign is not then subjected to further curation. The score for this variant resulted in a classification of likely benign for this disease.